The following is an entry in ClinVar:

ClinVar aggregate classification (germline): Uncertain significance. Review status: criteria provided, multiple submitters, no conflicts (2 of 4 stars). 10 submissions from 10 submitters: Uncertain significance (7). 3 of the submissions do not count toward it. Last evaluated 2026-01-20.

Conditions:
Hereditary cancer-predisposing syndrome. Also called: Tumor predisposition; Hereditary neoplastic syndrome; Hereditary Cancer Syndrome; Neoplastic Syndromes, Hereditary. Identifiers: Orphanet 140162, MedGen C0027672, MeSH D009386, MONDO:0015356.
Baller-Gerold syndrome (BGS). Also called: CRANIOSYNOSTOSIS WITH RADIAL DEFECTS. Identifiers: Orphanet 1225, MedGen C0265308, MONDO:0009039, OMIM 218600.
Rapadilino syndrome. Identifiers: Orphanet 3021, MedGen C1849453, MONDO:0009955, OMIM 266280.
Rothmund-Thomson syndrome type 2 (RTS2). Identifiers: Orphanet 221016, MedGen C5203410, MONDO:0016369, OMIM 268400.

Allele frequency attached by ClinVar (database versions not stated): gnomAD exomes 0.00023 and 0.00044; TOPMed 0.00027; ESP Exome Variant Server 0.00032; 1000 Genomes Project 30x 0.00016; 1000 Genomes Project 0.00020; gnomAD 0.00029 and 0.00031; ExAC 0.00019.

Submissions (10):

Labcorp Genetics (formerly Invitae), Labcorp
Classification: Uncertain significance for Baller-Gerold syndrome. Last evaluated: 2026-01-20. Review status: criteria provided, single submitter. Criteria: Invitae Variant Classification Sherloc (09022015). Collection method: clinical testing. Allele origin: germline.
Comment: This sequence change replaces methionine, which is neutral and non-polar, with isoleucine, which is neutral and non-polar, at codon 989 of the RECQL4 protein (p.Met989Ile). This variant is present in population databases (rs200018416, gnomAD 0.04%). This variant has not been reported in the literature in individuals affected with RECQL4-related conditions. ClinVar contains an entry for this variant (Variation ID: 239751). Invitae Evidence Modeling of protein sequence and biophysical properties (such as structural, functional, and spatial information, amino acid conservation, physicochemical variation, residue mobility, and thermodynamic stability) indicates that this missense variant is not expected to disrupt RECQL4 protein function with a negative predictive value of 80%. In summary, the available evidence is currently insufficient to determine the role of this variant in disease. Therefore, it has been classified as a Variant of Uncertain Significance.

Dasa
Classification: Uncertain significance. Last evaluated: 2025-05-16. Review status: criteria provided, single submitter. Criteria: DASA Assertion Criteria. Collection method: clinical testing. Allele origin: germline.
Comment: NM_004260.4(RECQL4):c.2967G>A (p.Met989Ile) is a missense variant that results in the substitution of methionine with isoleucine. This variant is rare in population databases. The currently available literature and clinical evidence are not sufficient to establish a definitive association between this variant and the reported condition. Therefore, this variant is classified as a variant of uncertain significance.

Fulgent Genetics
Classification: Uncertain significance for Baller-Gerold syndrome; Rapadilino syndrome; Rothmund-Thomson syndrome type 2. Last evaluated: 2022-05-20. Review status: criteria provided, single submitter. Criteria: ACMG Guidelines, 2015. Collection method: clinical testing. Allele origin: unknown.

Sema4
Classification: Uncertain significance for Hereditary cancer-predisposing syndrome. Last evaluated: 2021-11-30. Review status: criteria provided, single submitter. Criteria: Sema4 Curation Guidelines. Collection method: curation. Allele origin: germline.
Comment: The RECQL4 c.2967G>A (p.M989I) variant has not been reported in the literature to our knowledge. It was observed in 10/24780 chromosomes of the European (Finnish) subpopulation, with no homozygotes, in the large and broad cohorts of the Genome Aggregation Database (PMID: 32461654). This variant has been reported in ClinVar (Variation ID 239751). In silico predictions of the variant's effect on protein function are benign, though these predictions have not been confirmed by functional studies. The evidence is insufficient to meet ACMG/AMP criteria for classifying the variant as benign or pathogenic. Thus, the clinical significance of this variant is currently uncertain.

Institute for Clinical Genetics, University Hospital TU Dresden, University Hospital TU Dresden
Classification: Uncertain significance. Last evaluated: 2021-11-03. Review status: criteria provided, single submitter. Criteria: ACMG Guidelines, 2015. Collection method: clinical testing. Allele origin: germline.

GeneDx
Classification: Uncertain significance. Last evaluated: 2019-10-07. Review status: criteria provided, single submitter. Criteria: GeneDx Variant Classification Process June 2021. Collection method: clinical testing. Allele origin: germline. Affected: yes.
Comment: In silico analysis, which includes protein predictors and evolutionary conservation, supports that this variant does not alter protein structure/function; Observed in individuals with melanoma and other cancers (Mandelker 2017, Pritchard 2018); This variant is associated with the following publications: (PMID: 29641532, 28873162)

Eurofins Ntd Llc (ga)
Classification: Uncertain significance. Last evaluated: 2016-10-06. Review status: criteria provided, single submitter. Criteria: EGL Classification Definitions 2015. Collection method: clinical testing. Allele origin: germline. Observed: 1 variant allele, 1 heterozygote.

Department of Pathology and Laboratory Medicine, Sinai Health System
Classification: Uncertain significance. Review status: no assertion criteria provided. Collection method: clinical testing. Allele origin: unknown. Affected: yes. Study: The Canadian Open Genetics Repository (COGR). Not counted in ClinVar's aggregate classification.
Comment: The RECQL4 p.Met989Ile variant was not identified in the literature nor was it identified in LOVD 3.0 or Cosmic. The variant was identified in dbSNP (ID: rs200018416) and ClinVar (classified as uncertain significance by Invitae, EGL Genetic Diagnostics and Fulgent Genetics for Baller-Gerold syndrome, Rapadilino syndrome, Rothmund-Thomson syndrome type 2). The variant was identified in control databases in 61 of 277810 chromosomes at a frequency of 0.0002196 (Genome Aggregation Database March 6, 2019, v2.1.1). The variant was observed in the following populations: European (Finnish) in 10 of 24780 chromosomes (freq: 0.000404), European (non-Finnish) in 46 of 126450 chromosomes (freq: 0.000364), Latino in 4 of 35290 chromosomes (freq: 0.000113) and African in 1 of 23912 chromosomes (freq: 0.000042), but was not observed in the Ashkenazi Jewish, East Asian, Other, or South Asian populations. The p.Met989 residue is not conserved in mammals and computational analyses (PolyPhen-2, SIFT, AlignGVGD, BLOSUM) do not suggest a high likelihood of impact to the protein; however, this information is not predictive enough to rule out pathogenicity. The variant occurs outside of the splicing consensus sequence and in silico or computational prediction software programs (SpliceSiteFinder, MaxEntScan, NNSPLICE, GeneSplicer) do not predict a difference in splicing. In summary, based on the above information the clinical significance of this variant cannot be determined with certainty at this time. This variant is classified as a variant of uncertain significance.

Genome Diagnostics Laboratory, Amsterdam University Medical Center
Classification: Likely benign. Review status: no assertion criteria provided. Collection method: clinical testing. Allele origin: germline. Affected: yes. Study: VKGL Data-share Consensus. Not counted in ClinVar's aggregate classification.

Genome Diagnostics Laboratory, University Medical Center Utrecht
Classification: Likely benign. Review status: no assertion criteria provided. Collection method: clinical testing. Allele origin: germline. Affected: yes. Study: VKGL Data-share Consensus. Not counted in ClinVar's aggregate classification.

NM_004260.4(RECQL4):c.2967G>A (p.Met989Ile)

Gene: RECQL4 (RecQ like helicase 4; minus strand). Cytogenetic location: 8q24.3.
Variant type: single nucleotide variant.
Coding change: c.2967G>A on transcript NM_004260.4 (MANE Select); coding-DNA position 2967, G replaced by A.
Protein change: p.Met989Ile; replaces methionine 989 with isoleucine.
Molecular consequence: missense variant.
Genome position (GRCh38, 1-based): chr8:144,512,480, C>T on the plus strand (G>A on the coding strand, the complement: RECQL4 is on the minus strand). VCF-style: chr8-144512480-C-T. GRCh37 (hg19) VCF-style: chr8-145737863-C-T.
Other names: short protein forms M989I.
Identifiers: ClinVar variation 239751 (VCV000239751.25), dbSNP rs200018416, ClinGen allele CA4947989.